The following is an entry in ClinVar:

NM_000088.4(COL1A1):c.2938-2A>G

Gene: COL1A1 (collagen type I alpha 1 chain; minus strand). Cytogenetic location: 17q21.33.
Variant type: single nucleotide variant.
Coding change: c.2938-2A>G on transcript NM_000088.4 (MANE Select); the canonical splice acceptor site of the intron before coding-DNA position 2938, A replaced by G.
Molecular consequence: splice acceptor variant.
Genome position (GRCh38, 1-based): chr17:50,189,012, T>C on the plus strand (A>G on the coding strand, the complement: COL1A1 is on the minus strand). VCF-style: chr17-50189012-T-C. GRCh37 (hg19) VCF-style: chr17-48266373-T-C.
Identifiers: ClinVar variation 2736620 (VCV002736620.6), dbSNP rs2509180833, ClinGen allele CA400204465.

ClinVar aggregate classification (germline): Pathogenic. Review status: criteria provided, multiple submitters, no conflicts (2 of 4 stars). 4 submissions from 4 submitters: Pathogenic (4). Last evaluated 2025-11-19.

Conditions:
Osteogenesis imperfecta type I (OI1). Also called: OI, TYPE I; OSTEOGENESIS IMPERFECTA TARDA; OSTEOGENESIS IMPERFECTA WITH BLUE SCLERAE; Osteogenesis imperfecta type 1; Lobstein's Disease; Lobstein disease. Identifiers: Orphanet 216796, Orphanet 666, MedGen C0023931, MONDO:0008146, OMIM 166200. Disease mechanism: loss of function.
COL1A1-related disorder. Also called: COL1A1- related disease; COL1A1-related condition.

Submissions (4):

3billion
Classification: Pathogenic for COL1A1-related disorder. Last evaluated: 2025-11-19. Review status: criteria provided, single submitter. Criteria: ACMG Guidelines, 2015. Collection method: clinical testing. Allele origin: germline. Affected: yes.
Comment: The variant is not observed in the gnomAD v4.1.0 dataset. Predicted Consequence/Location: Canonical splice site: predicted to alter splicing and result in a loss or disruption of normal protein function. Multiple pathogenic loss-of-function variants are reported downstream of the variant. In silico tools predict the variant to alter splicing and produce an abnormal transcript [SpliceAI: 0.98 (spliceogenicity >=0.2, non-spliceogenicity <0.1)]. The variant has been reported at least twice as pathogenic without evidence for the classification (ClinVar ID: VCV002736620 /PMID: 25963598). Therefore, this variant is classified as Pathogenic according to the recommendation of ACMG/AMP guideline.

Labcorp Genetics (formerly Invitae), Labcorp
Classification: Pathogenic for Osteogenesis imperfecta type I. Last evaluated: 2024-04-16. Review status: criteria provided, single submitter. Criteria: Invitae Variant Classification Sherloc (09022015). Collection method: clinical testing. Allele origin: germline.
Comment: This sequence change affects an acceptor splice site in intron 40 of the COL1A1 gene. It is expected to disrupt RNA splicing. Variants that disrupt the donor or acceptor splice site typically lead to a loss of protein function (PMID: 16199547), and loss-of-function variants in COL1A1 are known to be pathogenic (PMID: 7942841, 9295084, 9443882). This variant is not present in population databases (gnomAD no frequency). Disruption of this splice site has been observed in individuals with osteogenesis imperfecta (PMID: 25963598). Algorithms developed to predict the effect of sequence changes on RNA splicing suggest that this variant may disrupt the consensus splice site. For these reasons, this variant has been classified as Pathogenic.

GeneDx
Classification: Pathogenic. Last evaluated: 2024-03-21. Review status: criteria provided, single submitter. Criteria: GeneDx Variant Classification Process June 2021. Collection method: clinical testing. Allele origin: germline. Affected: yes.
Comment: Canonical splice site variant predicted to result in a null allele in a gene for which loss of function is a known mechanism of disease; Damages or destroys the splice acceptor site in intron 40, and is expected to cause abnormal gene splicing; if the splice outcome is exon skip, the loss of the encoded residues in the triple helical region is expected to disrupt normal protein folding and function, and this is an established mechanism of disease (HGMD); Not observed at significant frequency in large population cohorts (gnomAD); This variant is associated with the following publications: (PMID: 25963598)

Blueprint Genetics
Classification: Pathogenic for COL1A1-related disorders. Last evaluated: 2019-05-06. Review status: criteria provided, single submitter. Criteria: ACMG Guidelines, 2015. Collection method: clinical testing. Allele origin: germline. Affected: yes. Observed: 1 variant allele.

Literature cited by the submitters: PubMed 25963598 (cited by 3billion and Labcorp Genetics (formerly Invitae), Labcorp); PubMed 16199547 (cited by Labcorp Genetics (formerly Invitae), Labcorp); PubMed 7942841 (cited by Labcorp Genetics (formerly Invitae), Labcorp); PubMed 9295084 (cited by Labcorp Genetics (formerly Invitae), Labcorp); PubMed 9443882 (cited by Labcorp Genetics (formerly Invitae), Labcorp).